The following is an entry in ClinVar:

ClinVar aggregate classification (germline): Pathogenic (1 of 4 stars; one submission).

Conditions:
Hereditary cancer-predisposing syndrome. Also called: Neoplastic Syndromes, Hereditary; Tumor predisposition; Hereditary Cancer Syndrome; Hereditary neoplastic syndrome. Identifiers: Orphanet 140162, MedGen C0027672, MeSH D009386, MONDO:0015356.

Submission:

Ambry Genetics
Classification: Pathogenic for Hereditary cancer-predisposing syndrome. Last evaluated: 2022-08-29. Review status: criteria provided, single submitter. Criteria: Ambry Variant Classification Scheme 2023. Collection method: clinical testing. Allele origin: germline.
Comment: The c.115_134+1567del1587 pathogenic mutation results from a deletion of 1587 nucleotides between positions c.115 and c.134+1567 and involves the canonical splice donor site after coding exon 2 of the BRCA1 gene. Alterations that disrupt the canonical splice site are expected to cause aberrant splicing, resulting in an abnormal protein or a transcript that is subject to nonsense-mediated mRNA decay. Other alterations impacting the same donor site (c.134+1G>A, c.134+2T>C) have been shown to result in aberrant splicing resulting in coding exon 2 skipping and were non-functional in a high-throughput, genome editing, haploid cell survival assay (Ambry internal data; Houdayer C. et al Hum Mutat. 2012 Aug;33(8):1228-38; Findlay GM et al. Nature, 2018 10;562:217-222). This variant is considered to be rare based on population cohorts in the Genome Aggregation Database (gnomAD). As such, this alteration is interpreted as a disease-causing mutation.

NM_007294.4(BRCA1):c.115_134+1567del

Gene: BRCA1 (BRCA1 DNA repair associated; minus strand). Cytogenetic location: 17q21.31.
Variant type: Deletion.
Coding change: c.115_134+1567del on transcript NM_007294.4 (MANE Select); coding-DNA position 115 through 1567 bases into the intron after coding-DNA position 134, 1,587 bases deleted.
Molecular consequence: splice donor variant. On other transcripts: intron variant (41).
Genome position (GRCh38, 1-based): chr17:43,114,159-43,115,745, 1,587 bases deleted. GRCh37 (hg19): chr17:41,266,178-41,267,764.
Other names: c.-27_-8+1567del (NM_001408458.1, NM_001408470.1, NM_001407848.1 and 47 more transcripts); c.-219+9532_-219+11118del (NM_001407967.1); c.-170+9532_-169-9203del (NM_001407959.1); c.-7-9212_-7-7626del (NM_001407931.1, NM_001407747.1, NM_001408511.1 and 2 more transcripts); c.-189_-170+1567del (NM_001407962.1, NM_001408512.1, NM_001408510.1 and 1 more transcripts); c.-74_-55+1567del (NM_001407885.1, NM_001407886.1, NM_001408509.1 and 52 more transcripts); c.-143_-124+1567del (NM_001407746.1, NM_001408468.1, NM_001407842.1 and 13 more transcripts); c.-8+8272_-7-7626del (NM_001408461.1, NM_001407738.1, NM_001407932.1 and 23 more transcripts); and 12 more.
Identifiers: ClinVar variation 1733845 (VCV001733845.2), ClinGen allele CA2580093846.